The following is an entry in ClinVar:

NM_001401501.2(MUC16):c.39578G>A (p.Arg13193Gln)

Gene: MUC16 (mucin 16, cell surface associated; minus strand). Cytogenetic location: 19p13.2.
Variant type: single nucleotide variant.
Coding change: c.39578G>A on transcript NM_001401501.2 (MANE Select); coding-DNA position 39578, G replaced by A.
Protein change: p.Arg13193Gln; replaces arginine 13193 with glutamine.
Molecular consequence: missense variant.
Genome position (GRCh38, 1-based): chr19:8,897,156, C>T on the plus strand (G>A on the coding strand, the complement: MUC16 is on the minus strand). VCF-style: chr19-8897156-C-T. GRCh37 (hg19) VCF-style: chr19-9007832-C-T.
Other names: NC_000019.9:g.9007832C>T; c.40004G>A, p.Arg13335Gln (NM_001414686.1); c.39458G>A, p.Arg13153Gln (NM_001414687.1); c.39392G>A, p.Arg13131Gln (NM_024690.2); short protein forms R13131Q, R13153Q, R13193Q, R13335Q.
Identifiers: ClinVar variation 3041674 (VCV003041674.3), dbSNP rs202020468, ClinGen allele CA9164065.
Genomic context (GRCh38, chr19:8,897,156, plus strand): 5'-AGAATCAGGGGCATGTGGACATGAGTTGAATACTCACTGCTGGTGGTGAGCCCAGAGCTC[C>T]GATGGGTGAAACCTGCATAGGGAAGGAGGCAGGAGAGTGCGTAAGGGTTAAGGAGACATT-3'
Protein context (NP_001388430.1, residues 13183-13203): NSLYVNGFTH[Arg13193Gln]SSGLTTSTPW

ClinVar aggregate classification (germline): Likely benign (0 of 4 stars; one submission).

Conditions:
MUC16-related disorder. Also called: MUC16-related condition.

Allele frequency attached by ClinVar (database versions not stated): ESP Exome Variant Server 0.00130.

Submissions (3):

PreventionGenetics, part of Exact Sciences
Classification: Likely benign for MUC16-related condition. Last evaluated: 2022-09-30. Review status: no assertion criteria provided. Collection method: clinical testing. Allele origin: germline.
Comment: This variant is classified as likely benign based on ACMG/AMP sequence variant interpretation guidelines (Richards et al. 2015 PMID: 25741868, with internal and published modifications).

Dr. Peter K. Rogan Lab, Western University
No classification provided (evidence only). Condition: Familial cancer of breast. Review status: no classification provided. Collection method: in vitro. Allele origin: not applicable. Functional consequence: retained intron. Not counted in ClinVar's aggregate classification.

Dr. Peter K. Rogan Lab, Western University
No classification provided (evidence only). Condition: Ovarian serous cystadenocarcinoma. Review status: no classification provided. Collection method: in vitro. Allele origin: not applicable. Functional consequence: retained intron. Not counted in ClinVar's aggregate classification.